The following is an entry in ClinVar:

NM_004333.6(BRAF):c.721A>G (p.Thr241Ala)

Gene: BRAF (B-Raf proto-oncogene, serine/threonine kinase; minus strand). Cytogenetic location: 7q34.
Variant type: single nucleotide variant.
Coding change: c.721A>G on transcript NM_004333.6 (MANE Select); coding-DNA position 721, A replaced by G.
Protein change: p.Thr241Ala; replaces threonine 241 with alanine.
Molecular consequence: missense variant.
Genome position (GRCh38, 1-based): chr7:140,801,551, T>C on the plus strand (A>G on the coding strand, the complement: BRAF is on the minus strand). VCF-style: chr7-140801551-T-C. GRCh37 (hg19) VCF-style: chr7-140501351-T-C.
Other names: c.721A>G, p.Thr241Ala (NM_001374244.1, NM_001374258.1, NM_001378468.1 and 4 more transcripts); c.730A>G, p.Thr244Ala (NM_001378467.1); c.619A>G, p.Thr207Ala (NM_001378470.1); c.565A>G, p.Thr189Ala (NM_001378472.1, NM_001378473.1); c.457A>G, p.Thr153Ala (NM_001378475.1); short protein forms T153A, T189A, T207A, T241A, T244A.
Identifiers: ClinVar variation 3373467 (VCV003373467.2).

ClinVar aggregate classification (germline): Pathogenic (1 of 4 stars; one submission).

Submission:

GeneDx
Classification: Pathogenic. Last evaluated: 2026-10-23. Review status: criteria provided, single submitter. Criteria: GeneDx Variant Classification Process June 2021. Collection method: clinical testing. Allele origin: germline.
Comment: Not observed at significant frequency in large population cohorts (gnomAD); Missense variants in this gene are a common cause of disease and they are underrepresented in the general population; In silico analysis supports that this missense variant has a deleterious effect on protein structure/function; Has not been previously published as pathogenic or benign to our knowledge; This variant is associated with the following publications: (PMID: 17603483, 16439621, 24957944, 15520807, 29493581, 15488754)